The following is an entry in ClinVar:

NM_000245.4(MET):c.3365C>A (p.Ser1122Tyr)

Gene: MET (MET proto-oncogene, receptor tyrosine kinase; plus strand). Cytogenetic location: 7q31.2.
Variant type: single nucleotide variant.
Coding change: c.3365C>A on transcript NM_000245.4 (MANE Select); coding-DNA position 3365, C replaced by A.
Protein change: p.Ser1122Tyr; replaces serine 1122 with tyrosine.
Molecular consequence: missense variant.
Genome position (GRCh38, 1-based): chr7:116,778,800, C>A. VCF-style: chr7-116778800-C-A. GRCh37 (hg19) VCF-style: chr7-116418854-C-A.
Other names: c.3419C>A, p.Ser1140Tyr (NM_001127500.3); c.2075C>A, p.Ser692Tyr (NM_001324402.2); short protein forms S1122Y, S1140Y, S692Y.
Identifiers: ClinVar variation 1720262 (VCV001720262.5), dbSNP rs1180415202, ClinGen allele CA368989992.

ClinVar aggregate classification (germline): Uncertain significance (1 of 4 stars; one submission).

Conditions:
Renal cell carcinoma. Identifiers: Orphanet 217071, MedGen C0007134, MeSH D002292, MONDO:0005086, HP:0005584.

Submission:

Labcorp Genetics (formerly Invitae), Labcorp
Classification: Uncertain significance for Renal cell carcinoma. Last evaluated: 2022-09-24. Review status: criteria provided, single submitter. Criteria: Invitae Variant Classification Sherloc (09022015). Collection method: clinical testing. Allele origin: germline.
Comment: In summary, the available evidence is currently insufficient to determine the role of this variant in disease. Therefore, it has been classified as a Variant of Uncertain Significance. Advanced modeling of protein sequence and biophysical properties (such as structural, functional, and spatial information, amino acid conservation, physicochemical variation, residue mobility, and thermodynamic stability) has been performed at Invitae for this missense variant, however the output from this modeling did not meet the statistical confidence thresholds required to predict the impact of this variant on MET protein function. This variant has not been reported in the literature in individuals affected with MET-related conditions. This variant is not present in population databases (gnomAD no frequency). This sequence change replaces serine, which is neutral and polar, with tyrosine, which is neutral and polar, at codon 1140 of the MET protein (p.Ser1140Tyr).